The following is an entry in ClinVar:

NM_000282.4(PCCA):c.2153T>C (p.Val718Ala)

Gene: PCCA (propionyl-CoA carboxylase subunit alpha; plus strand). Cytogenetic location: 13q32.3.
Variant type: single nucleotide variant.
Coding change: c.2153T>C on transcript NM_000282.4 (MANE Select); coding-DNA position 2153, T replaced by C.
Protein change: p.Val718Ala; replaces valine 718 with alanine.
Molecular consequence: missense variant. On other transcripts: non-coding transcript variant (5).
Genome position (GRCh38, 1-based): chr13:100,530,132, T>C. VCF-style: chr13-100530132-T-C. GRCh37 (hg19) VCF-style: chr13-101182386-T-C.
Other names: c.2075T>C, p.Val692Ala (NM_001127692.3); c.2012T>C, p.Val671Ala (NM_001178004.2); c.2099T>C, p.Val700Ala (NM_001352605.2); c.2009T>C, p.Val670Ala (NM_001352606.2); c.1934T>C, p.Val645Ala (NM_001352607.2); c.1931T>C, p.Val644Ala (NM_001352608.2); c.1208T>C, p.Val403Ala (NM_001352610.2); c.1154T>C, p.Val385Ala (NM_001352611.2); and 1 more; short protein forms V403A, V692A, V385A, V644A, V645A, V700A, V718A, V355A.
Identifiers: ClinVar variation 4765408 (VCV004765408.1).
Genomic context (GRCh38, chr13:100,530,132, plus strand): 5'-TCCCCCTGCATTTTTCAAAATTCAAGGTGAAATCTGTGCACTGTCAAGCTGGAGACACAG[T>C]TGGAGAAGGGGATCTGCTCGTGGAGCTGGAATGAAGGATTTATAACCTTTCAGTCATCAC-3'
Protein context (NP_000273.2, residues 708-728): KSVHCQAGDT[Val718Ala]GEGDLLVELE

ClinVar aggregate classification (germline): Uncertain significance (1 of 4 stars; one submission).

Conditions:
Propionic acidemia (PROP). Also called: GLYCINEMIA, KETOTIC; HYPERGLYCINEMIA WITH KETOACIDOSIS AND LEUKOPENIA; KETOTIC HYPERGLYCINEMIA. Identifiers: Orphanet 35, MedGen C0268579, MONDO:0011628, OMIM 606054, HP:0003571.

gnomAD v4.1: 6 of 1,614,028 alleles (0.00037%); highest among the groups gnomAD compares: South Asian, 0.0011%; no homozygotes.

Submission:

Labcorp Genetics (formerly Invitae), Labcorp
Classification: Uncertain significance for Propionic acidemia. Last evaluated: 2025-08-12. Review status: criteria provided, single submitter. Criteria: Invitae Variant Classification Sherloc (09022015). Collection method: clinical testing. Allele origin: germline.
Comment: This sequence change replaces valine, which is neutral and non-polar, with alanine, which is neutral and non-polar, at codon 718 of the PCCA protein (p.Val718Ala). This variant is not present in population databases (gnomAD no frequency). This variant has not been reported in the literature in individuals affected with PCCA-related conditions. Invitae Evidence Modeling of protein sequence and biophysical properties (such as structural, functional, and spatial information, amino acid conservation, physicochemical variation, residue mobility, and thermodynamic stability) indicates that this missense variant is not expected to disrupt PCCA protein function with a negative predictive value of 95%. In summary, the available evidence is currently insufficient to determine the role of this variant in disease. Therefore, it has been classified as a Variant of Uncertain Significance.